The following is an entry in ClinVar:

NM_006767.4(LZTR1):c.400_400+1insT

Gene: LZTR1 (leucine zipper like post translational regulator 1; plus strand). Cytogenetic location: 22q11.21.
Variant type: Insertion.
Coding change: c.400_400+1insT on transcript NM_006767.4 (MANE Select); coding-DNA position 400 through the canonical splice donor site of the intron after coding-DNA position 400, T inserted.
Molecular consequence: splice donor variant.
Genome position: GRCh38 VCF-style: chr22-20987583-G-GT. GRCh37 (hg19) VCF-style: chr22-21341872-G-GT.
Identifiers: ClinVar variation 3661428 (VCV003661428.2).

ClinVar aggregate classification (germline): Pathogenic (1 of 4 stars; one submission).

Submission:

Labcorp Genetics (formerly Invitae), Labcorp
Classification: Pathogenic. Last evaluated: 2024-10-03. Review status: criteria provided, single submitter. Criteria: Invitae Variant Classification Sherloc (09022015). Collection method: clinical testing. Allele origin: germline.
Comment: This sequence change creates a premature translational stop signal (p.Gly134Valfs*12) in the LZTR1 gene. It is expected to result in an absent or disrupted protein product. Loss-of-function variants in LZTR1 are known to be pathogenic (PMID: 24362817, 25335493, 25480913, 25795793, 29469822, 30368668, 30442762, 30442766, 30481304, 30859559). This variant is not present in population databases (gnomAD no frequency). This variant has not been reported in the literature in individuals affected with LZTR1-related conditions. Algorithms developed to predict the effect of sequence changes on RNA splicing suggest that this variant may disrupt the consensus splice site. For these reasons, this variant has been classified as Pathogenic.

Literature cited by the submitters: PubMed 24362817; PubMed 25335493; PubMed 25480913; PubMed 25795793; PubMed 29469822; PubMed 30368668; PubMed 30442762; PubMed 30442766; PubMed 30481304; PubMed 30859559.